The following is an entry in ClinVar:

ClinVar aggregate classification (germline): Uncertain significance (1 of 4 stars; one submission).

Conditions:
PLXNA2-related disorder. Also called: PLXNA2-related condition.

Submission:

PreventionGenetics, part of Exact Sciences
Classification: Uncertain significance for PLXNA2-related condition. Last evaluated: 2025-02-06. Review status: criteria provided, single submitter. Criteria: ACMG Guidelines, 2015. Collection method: clinical testing. Allele origin: germline.
Comment: The PLXNA2 c.2095G>T variant is predicted to result in premature protein termination (p.Glu699*). To our knowledge, this variant has not been reported in the literature or in a large population database (gnomAD), indicating it is rare. Premature termination has not been established as a mechanism of disease for the PLXNA2 gene. The clinical significance of this variant is uncertain due to the absence of conclusive functional and genetic evidence.

NM_025179.4(PLXNA2):c.2095G>T (p.Glu699Ter)

Gene: PLXNA2 (plexin A2; minus strand). Cytogenetic location: 1q32.2.
Variant type: single nucleotide variant.
Coding change: c.2095G>T on transcript NM_025179.4 (MANE Select); coding-DNA position 2095, G replaced by T.
Protein change: p.Glu699Ter; replaces glutamic acid 699 with a stop codon.
Molecular consequence: nonsense.
Genome position (GRCh38, 1-based): chr1:208,092,788, C>A on the plus strand (G>T on the coding strand, the complement: PLXNA2 is on the minus strand). VCF-style: chr1-208092788-C-A. GRCh37 (hg19) VCF-style: chr1-208266133-C-A.
Other names: short protein forms E699*.
Identifiers: ClinVar variation 5000349 (VCV005000349.1).